The following is an entry in ClinVar:

NM_001999.4(FBN2):c.5200+5_5200+10del

Gene: FBN2 (fibrillin 2; minus strand). Cytogenetic location: 5q23.3.
Variant type: Deletion.
Coding change: c.5200+5_5200+10del on transcript NM_001999.4 (MANE Select); bases 5 to 10 of the intron after coding-DNA position 5200, 6 bases deleted (GTAAAG; older notation c.5200+5_5200+10delGTAAAG).
Molecular consequence: intron variant.
Genome position (GRCh38, 1-based): chr5:128,309,973-128,309,978, CTTTAC deleted on the plus strand (GTAAAG on the coding strand, the reverse complement: FBN2 is on the minus strand); deleting any 6 consecutive bases within chr5:128,309,973-128,309,980 gives the same sequence; the c. name uses the placement nearest the transcript's 3' end. VCF-style (leftmost placement, unchanged base first): chr5-128309972-TCTTTAC-T. GRCh37 (hg19) VCF-style: chr5-127645664-TCTTTAC-T.
Identifiers: ClinVar variation 2699412 (VCV002699412.3), dbSNP rs2479735496, ClinGen allele CA2697546455.

ClinVar aggregate classification (germline): Uncertain significance (1 of 4 stars; one submission).

Conditions:
Congenital contractural arachnodactyly (CCA). Also called: Beals-Hecht syndrome; BEALS SYNDROME; Arthrogryposis, distal, type 9. Identifiers: Orphanet 115, MedGen C0220668, MONDO:0007363, OMIM 121050.

Submission:

Labcorp Genetics (formerly Invitae), Labcorp
Classification: Uncertain significance for Congenital contractural arachnodactyly. Last evaluated: 2023-11-28. Review status: criteria provided, single submitter. Criteria: Invitae Variant Classification Sherloc (09022015). Collection method: clinical testing. Allele origin: germline.
Comment: This sequence change falls in intron 40 of the FBN2 gene. It does not directly change the encoded amino acid sequence of the FBN2 protein. It affects a nucleotide within the consensus splice site. This variant is not present in population databases (gnomAD no frequency). This variant has not been reported in the literature in individuals affected with FBN2-related conditions. Variants that disrupt the consensus splice site are a relatively common cause of aberrant splicing (PMID: 17576681, 9536098). Algorithms developed to predict the effect of sequence changes on RNA splicing suggest that this variant may disrupt the consensus splice site. In summary, the available evidence is currently insufficient to determine the role of this variant in disease. Therefore, it has been classified as a Variant of Uncertain Significance.

Literature cited by the submitters: PubMed 17576681; PubMed 9536098.